The following is an entry in ClinVar:

NM_001205293.3(CACNA1E):c.2975G>T (p.Gly992Val)

Gene: CACNA1E (calcium voltage-gated channel subunit alpha1 E; plus strand). Cytogenetic location: 1q25.3.
Variant type: single nucleotide variant.
Coding change: c.2975G>T on transcript NM_001205293.3 (MANE Select); coding-DNA position 2975, G replaced by T.
Protein change: p.Gly992Val; replaces glycine 992 with valine.
Molecular consequence: missense variant.
Genome position (GRCh38, 1-based): chr1:181,733,463, G>T. VCF-style: chr1-181733463-G-T. GRCh37 (hg19) VCF-style: chr1-181702599-G-T.
Other names: c.2975G>T, p.Gly992Val (NM_000721.4); c.2918G>T, p.Gly973Val (NM_001205294.2); short protein forms G992V, G973V.
Identifiers: ClinVar variation 1977629 (VCV001977629.5), dbSNP rs1391271201, ClinGen allele CA343620466.

ClinVar aggregate classification (germline): Uncertain significance (1 of 4 stars; one submission).

gnomAD v4.1: 2 of 1,550,716 alleles (0.00013%); highest among the groups gnomAD compares: African/African-American, 0.0014%; no homozygotes.

Submission:

Labcorp Genetics (formerly Invitae), Labcorp
Classification: Uncertain significance. Last evaluated: 2025-07-05. Review status: criteria provided, single submitter. Criteria: Invitae Variant Classification Sherloc (09022015). Collection method: clinical testing. Allele origin: germline.
Comment: This sequence change replaces glycine, which is neutral and non-polar, with valine, which is neutral and non-polar, at codon 992 of the CACNA1E protein (p.Gly992Val). This variant is not present in population databases (gnomAD no frequency). This variant has not been reported in the literature in individuals affected with CACNA1E-related conditions. ClinVar contains an entry for this variant (Variation ID: 1977629). Invitae Evidence Modeling of protein sequence and biophysical properties (such as structural, functional, and spatial information, amino acid conservation, physicochemical variation, residue mobility, and thermodynamic stability) has been performed for this missense variant. However, the output from this modeling did not meet the statistical confidence thresholds required to predict the impact of this variant on CACNA1E protein function. In summary, the available evidence is currently insufficient to determine the role of this variant in disease. Therefore, it has been classified as a Variant of Uncertain Significance.